The following is an entry in ClinVar:

NM_004174.4(SLC9A3):c.1658G>T (p.Arg553Leu)

Genes: SLC9A3 (solute carrier family 9 member A3), SLC9A3-AS1 (SLC9A3 antisense RNA 1; plus strand). Cytogenetic location: 5p15.33.
Variant type: single nucleotide variant.
Coding change: c.1658G>T on transcript NM_004174.4 (MANE Select); coding-DNA position 1658, G replaced by T.
Protein change: p.Arg553Leu; replaces arginine 553 with leucine.
Molecular consequence: missense variant.
Genome position (GRCh38, 1-based): chr5:477,434, C>A on the plus strand (G>T on the coding strand, the complement: SLC9A3 is on the minus strand). VCF-style: chr5-477434-C-A. GRCh37 (hg19) VCF-style: chr5-477549-C-A.
Other names: c.1631G>T, p.Arg544Leu (NM_001284351.3); short protein forms R544L, R553L.
Identifiers: ClinVar variation 1518187 (VCV001518187.4), dbSNP rs138322600, ClinGen allele CA3175775.

ClinVar aggregate classification (germline): Uncertain significance (1 of 4 stars; one submission).

gnomAD v4.1: 4 of 1,611,688 alleles (0.00025%); highest among the groups gnomAD compares: South Asian, 0.0044%; no homozygotes.

Submission:

Labcorp Genetics (formerly Invitae), Labcorp
Classification: Uncertain significance. Last evaluated: 2020-11-14. Review status: criteria provided, single submitter. Criteria: Invitae Variant Classification Sherloc (09022015). Collection method: clinical testing. Allele origin: germline.
Comment: Algorithms developed to predict the effect of missense changes on protein structure and function are either unavailable or do not agree on the potential impact of this missense change (SIFT: "Not Available"; PolyPhen-2: "Possibly Damaging"; Align-GVGD: "Not Available"). This variant has not been reported in the literature in individuals with SLC9A3-related conditions. This variant is present in population databases (rs138322600, ExAC 0.01%). This sequence change replaces arginine with leucine at codon 553 of the SLC9A3 protein (p.Arg553Leu). The arginine residue is highly conserved and there is a moderate physicochemical difference between arginine and leucine. In summary, the available evidence is currently insufficient to determine the role of this variant in disease. Therefore, it has been classified as a Variant of Uncertain Significance.